The following is an entry in ClinVar:

ClinVar aggregate classification (germline): Benign/Likely benign. Review status: criteria provided, multiple submitters, no conflicts (2 of 4 stars). 3 submissions from 3 submitters: Benign (1); Likely benign (1). 1 of the submissions does not count toward it. Last evaluated 2024-10-21.

Conditions:
BMPR1B-related disorder. Also called: BMPR1B-related condition.
Brachydactyly. Also called: Brachydactyly (disease); Brachydactyly syndrome. Identifiers: MedGen C0221357, MONDO:0021004, HP:0001156.

Allele frequency attached by ClinVar (database versions not stated): 1000 Genomes Project 0.01078; gnomAD 0.01185 and 0.01288; 1000 Genomes Project 30x 0.01234; TOPMed 0.01381.

Submissions (3):

Blueprint Genetics
Classification: Likely benign. Last evaluated: 2024-10-21. Review status: criteria provided, single submitter. Criteria: ACMG Guidelines, 2015. Collection method: clinical testing. Allele origin: germline.

Illumina Laboratory Services, Illumina
Classification: Benign for Brachydactyly. Last evaluated: 2018-01-12. Review status: criteria provided, single submitter. Criteria: ICSL Variant Classification Criteria 13 December 2019. Collection method: clinical testing. Allele origin: germline.
Comment: This variant was observed in the ICSL laboratory as part of a predisposition screen in an ostensibly healthy population. It had not been previously curated by ICSL or reported in the Human Gene Mutation Database (HGMD: prior to June 1st, 2018), and was therefore a candidate for classification through an automated scoring system. Utilizing variant allele frequency, disease prevalence and penetrance estimates, and inheritance mode, an automated score was calculated to assess if this variant is too frequent to cause the disease. Based on the score and internal cut-off values, a variant classified as benign is not then subjected to further curation. The score for this variant resulted in a classification of benign for this disease.

PreventionGenetics, part of Exact Sciences
Classification: Benign for BMPR1B-related condition. Last evaluated: 2019-09-16. Review status: no assertion criteria provided. Collection method: clinical testing. Allele origin: germline. Not counted in ClinVar's aggregate classification.
Comment: This variant is classified as benign based on ACMG/AMP sequence variant interpretation guidelines (Richards et al. 2015 PMID: 25741868, with internal and published modifications).

NM_001203.3(BMPR1B):c.-117T>C

Gene: BMPR1B (bone morphogenetic protein receptor type 1B; plus strand). Cytogenetic location: 4q22.3.
Variant type: single nucleotide variant.
Coding change: c.-117T>C on transcript NM_001203.3 (MANE Select); 117 bases upstream of the start codon, T replaced by C.
Molecular consequence: 5 prime UTR variant.
Genome position (GRCh38, 1-based): chr4:94,875,896, T>C. VCF-style: chr4-94875896-T-C. GRCh37 (hg19) VCF-style: chr4-95797047-T-C.
Identifiers: ClinVar variation 906579 (VCV000906579.7), dbSNP rs75697273, ClinGen allele CA102285846.